The following is an entry in ClinVar:

ClinVar aggregate classification (germline): Uncertain significance. Review status: criteria provided, multiple submitters, no conflicts (2 of 4 stars). 2 submissions from 2 submitters: Uncertain significance (2). Last evaluated 2025-10-19.

Allele frequency attached by ClinVar (database versions not stated): gnomAD exomes 0.00031 and 0.00055; TOPMed 0.00031; ExAC 0.00033; ESP Exome Variant Server 0.00038; gnomAD 0.00042 and 0.00043; 1000 Genomes Project 30x 0.00047; 1000 Genomes Project 0.00060.
gnomAD v4.1: 855 of 1,614,092 alleles (0.053%); highest among the groups gnomAD compares: Non-Finnish European, 0.068%; 2 homozygotes.

Submissions (2):

Labcorp Genetics (formerly Invitae), Labcorp
Classification: Uncertain significance. Last evaluated: 2025-10-19. Review status: criteria provided, single submitter. Criteria: Invitae Variant Classification Sherloc (09022015). Collection method: clinical testing. Allele origin: germline.
Comment: This sequence change replaces valine, which is neutral and non-polar, with isoleucine, which is neutral and non-polar, at codon 359 of the SULF1 protein (p.Val359Ile). This variant is present in population databases (rs140542311, gnomAD 0.06%), and has an allele count higher than expected for a pathogenic variant. This variant has not been reported in the literature in individuals affected with SULF1-related conditions. ClinVar contains an entry for this variant (Variation ID: 1518958). An algorithm developed to predict the effect of missense changes on protein structure and function (PolyPhen-2) suggests that this variant is likely to be disruptive. In summary, the available evidence is currently insufficient to determine the role of this variant in disease. Therefore, it has been classified as a Variant of Uncertain Significance.

Ambry Genetics
Classification: Uncertain significance. Last evaluated: 2025-08-04. Review status: criteria provided, single submitter. Criteria: Ambry Variant Classification Scheme 2023. Collection method: clinical testing. Allele origin: germline.

NM_001128205.2(SULF1):c.1075G>A (p.Val359Ile)

Gene: SULF1 (sulfatase 1; plus strand). Cytogenetic location: 8q13.3.
Variant type: single nucleotide variant.
Coding change: c.1075G>A on transcript NM_001128205.2 (MANE Select); coding-DNA position 1075, G replaced by A.
Protein change: p.Val359Ile; replaces valine 359 with isoleucine.
Molecular consequence: missense variant. On other transcripts: non-coding transcript variant (3).
Genome position (GRCh38, 1-based): chr8:69,603,205, G>A. VCF-style: chr8-69603205-G-A. GRCh37 (hg19) VCF-style: chr8-70515440-G-A.
Other names: c.1075G>A (NM_001128205.1); c.1075G>A, p.Val359Ile (NM_001128204.2, NM_001128206.2, NM_015170.3); short protein forms V359I.
Identifiers: ClinVar variation 1518958 (VCV001518958.7), dbSNP rs140542311, ClinGen allele CA4775781.